The following is an entry in ClinVar:

ClinVar aggregate classification (germline): Conflicting classifications of pathogenicity. Review status: criteria provided, conflicting classifications (1 of 4 stars). 5 submissions from 5 submitters: Uncertain significance (4); Likely benign (1). Last evaluated 2026-07-21.

Conditions:
ADGRV1-related disorder. Also called: ADGRV1-related condition; ADGRV1-related disorders.

Allele frequency attached by ClinVar (database versions not stated): gnomAD exomes 0.00001 and 0.00002; TOPMed 0.00012; gnomAD 0.00013 and 0.00014.

Submissions (5):

PreventionGenetics, part of Exact Sciences
Classification: Uncertain significance for ADGRV1-related condition. Last evaluated: 2026-07-21. Review status: criteria provided, single submitter. Criteria: ACMG Guidelines, 2015. Collection method: clinical testing. Allele origin: germline.
Comment: The ADGRV1 c.8585A>G variant is predicted to result in the amino acid substitution p.Tyr2862Cys. This variant has been reported in the heterozygous state without a second potentially causative ADGRV1 variant in individuals with Usher syndrome or hearing loss (García-García et al. 2013. PubMed ID: 23441107; Table S3, Sloan-Heggen et al. 2016. PubMed ID: 26969326). This variant is reported in 0.037% of alleles in individuals of African descent in gnomAD. At this time, the clinical significance of this variant is uncertain due to the absence of conclusive functional and genetic evidence.

Labcorp Genetics (formerly Invitae), Labcorp
Classification: Likely benign. Last evaluated: 2026-01-11. Review status: criteria provided, single submitter. Criteria: Invitae Variant Classification Sherloc (09022015). Collection method: clinical testing. Allele origin: germline.

Blueprint Genetics
Classification: Uncertain significance. Last evaluated: 2023-10-04. Review status: criteria provided, single submitter. Criteria: ACMG Guidelines, 2015. Collection method: clinical testing. Allele origin: germline.

Women's Health and Genetics/Laboratory Corporation of America, LabCorp
Classification: Uncertain significance. Last evaluated: 2023-07-27. Review status: criteria provided, single submitter. Criteria: LabCorp Variant Classification Summary - May 2015. Collection method: clinical testing. Allele origin: germline.
Comment: Variant summary: ADGRV1 c.8585A>G (p.Tyr2862Cys) results in a non-conservative amino acid change located in the Na-Ca exchanger/integrin-beta4 domain (IPR003644) of the encoded protein sequence. Four of five in-silico tools predict a damaging effect of the variant on protein function. The variant allele was found at a frequency of 1.6e-05 in 246580 control chromosomes. The available data on variant occurrences in the general population are insufficient to allow any conclusion about variant significance. c.8585A>G has been reported in the literature as a non-informative genotype (second allele not specified or classified as a benign variant) in individuals affected with hearing loss (example, Garcia-Garcia_2013, Sloan-Heggen_2016). These report(s) do not provide unequivocal conclusions about association of the variant with Usher Syndrome. To our knowledge, no experimental evidence demonstrating an impact on protein function has been reported. The following publications have been ascertained in the context of this evaluation (PMID: 23441107, 26969326, 35813073). Two submitters have cited clinical-significance assessments for this variant to ClinVar after 2014. One submitter classified the variant as likely benign and one submitter classified the variant as uncertain significance. Based on the evidence outlined above, the variant was classified as uncertain significance.

Laboratory for Molecular Medicine, Mass General Brigham Personalized Medicine
Classification: Uncertain significance. Last evaluated: 2016-02-21. Review status: criteria provided, single submitter. Criteria: LMM Criteria. Collection method: clinical testing. Allele origin: germline. Observed: 1 variant allele.
Comment: The p.Tyr2862Cys variant in GPR98 has not been previously reported in individual s with hearing loss or in large population studies. Computational prediction too ls and conservation analysis suggest that the p.Tyr2862Cys variant may impact th e protein, though this information is not predictive enough to determine pathoge nicity. In summary, the clinical significance of the p.Tyr2862Cys variant is unc ertain.

Literature cited by the submitters: PubMed 26969326 (cited by Women's Health and Genetics/Laboratory Corporation of America, LabCorp); PubMed 35813073 (cited by Women's Health and Genetics/Laboratory Corporation of America, LabCorp); PubMed 23441107 (cited by Women's Health and Genetics/Laboratory Corporation of America, LabCorp).

NM_032119.4(ADGRV1):c.8585A>G (p.Tyr2862Cys)

Gene: ADGRV1 (adhesion G protein-coupled receptor V1; plus strand). Cytogenetic location: 5q14.3.
Variant type: single nucleotide variant.
Coding change: c.8585A>G on transcript NM_032119.4 (MANE Select); coding-DNA position 8585, A replaced by G.
Protein change: p.Tyr2862Cys; replaces tyrosine 2862 with cysteine.
Molecular consequence: missense variant. On other transcripts: non-coding transcript variant (1).
Genome position (GRCh38, 1-based): chr5:90,706,249, A>G. VCF-style: chr5-90706249-A-G. GRCh37 (hg19) VCF-style: chr5-90002066-A-G.
Other names: short protein forms Y2862C.
Identifiers: ClinVar variation 228725 (VCV000228725.14), dbSNP rs876657827, ClinGen allele CA10576666.
Genomic context (GRCh38, chr5:90,706,249, plus strand): 5'-ATTTAGATAATTATAAAACATTTTTGCAACCTATTCAATTAGGAGCTATCAATGTCACAT[A>G]TACCACGGTTCCTGGAATGCTGAGTCTGAAGAACCAAACAGTAGGAAACCTAGCAGAGCC-3'
Protein context (NP_115495.3, residues 2852-2872): FGSLGAINVT[Tyr2862Cys]TTVPGMLSLK